The following is an entry in ClinVar:

NM_001330311.2(DVL1):c.*9G>A

Gene: DVL1 (dishevelled segment polarity protein 1; minus strand). Cytogenetic location: 1p36.33.
Variant type: single nucleotide variant.
Coding change: c.*9G>A on transcript NM_001330311.2 (MANE Select); 9 bases downstream of the stop codon, G replaced by A.
Molecular consequence: 3 prime UTR variant.
Genome position (GRCh38, 1-based): chr1:1,336,133, C>T on the plus strand (G>A on the coding strand, the complement: DVL1 is on the minus strand). VCF-style: chr1-1336133-C-T. GRCh37 (hg19) VCF-style: chr1-1271513-C-T.
Other names: c.*9G>A (NM_004421.3).
Identifiers: ClinVar variation 3033799 (VCV003033799.2), dbSNP rs377426716, ClinGen allele CA519719.

ClinVar aggregate classification (germline): Likely benign (0 of 4 stars; one submission).

Conditions:
DVL1-related disorder. Also called: DVL1-related condition.

Allele frequency attached by ClinVar (database versions not stated): ESP Exome Variant Server 0.00062; 1000 Genomes Project 30x 0.00078; 1000 Genomes Project 0.00100.
gnomAD v4.1: 232 of 1,571,632 alleles (0.015%); highest among the groups gnomAD compares: African/African-American, 0.29%; no homozygotes.

Submission:

PreventionGenetics, part of Exact Sciences
Classification: Likely benign for DVL1-related condition. Last evaluated: 2019-06-19. Review status: no assertion criteria provided. Collection method: clinical testing. Allele origin: germline.
Comment: This variant is classified as likely benign based on ACMG/AMP sequence variant interpretation guidelines (Richards et al. 2015 PMID: 25741868, with internal and published modifications).